The following is an entry in ClinVar:

ClinVar aggregate classification (germline): Conflicting classifications of pathogenicity. Review status: criteria provided, conflicting classifications (1 of 4 stars). 2 submissions from 2 submitters: Uncertain significance (1); Likely benign (1). Last evaluated 2023-03-23.

Conditions:
Hereditary cancer-predisposing syndrome. Also called: Neoplastic Syndromes, Hereditary; Tumor predisposition; Hereditary Cancer Syndrome; Hereditary neoplastic syndrome. Identifiers: Orphanet 140162, MedGen C0027672, MeSH D009386, MONDO:0015356.

Submissions (2):

University of Washington Department of Laboratory Medicine, University of Washington
Classification: Likely benign for Hereditary cancer-predisposing syndrome. Last evaluated: 2023-03-23. Review status: criteria provided, single submitter. Criteria: Dines et al. (Genet Med. 2020). Collection method: curation. Allele origin: germline.
Comment: Missense variant in a coldspot region where missense variants are very unlikely to be pathogenic (PMID:31911673).

BRCA2 exon 11 coldspot. Reclassification based on statistical prior probability.

Ambry Genetics
Classification: Uncertain significance for Hereditary cancer-predisposing syndrome. Last evaluated: 2022-07-19. Review status: criteria provided, single submitter. Criteria: Ambry Variant Classification Scheme 2023. Collection method: clinical testing. Allele origin: germline.
Comment: The p.I2230M variant (also known as c.6690T>G), located in coding exon 10 of the BRCA2 gene, results from a T to G substitution at nucleotide position 6690. The isoleucine at codon 2230 is replaced by methionine, an amino acid with highly similar properties. This amino acid position is conserved. In addition, the in silico prediction for this alteration is inconclusive. Since supporting evidence is limited at this time, the clinical significance of this alteration remains unclear.

NM_000059.4(BRCA2):c.6690T>G (p.Ile2230Met)

Gene: BRCA2 (BRCA2 DNA repair associated; plus strand). Cytogenetic location: 13q13.1.
Variant type: single nucleotide variant.
Coding change: c.6690T>G on transcript NM_000059.4 (MANE Select); coding-DNA position 6690, T replaced by G.
Protein change: p.Ile2230Met; replaces isoleucine 2230 with methionine.
Molecular consequence: missense variant.
Genome position (GRCh38, 1-based): chr13:32,341,045, T>G. VCF-style: chr13-32341045-T-G. GRCh37 (hg19) VCF-style: chr13-32915182-T-G.
Other names: c.6690T>G, p.Ile2230Met (NM_001406719.1, NM_001406720.1); short protein forms I2230M.
Identifiers: ClinVar variation 1754912 (VCV001754912.4), dbSNP rs919611062, ClinGen allele CA247514347.
Genomic context (GRCh38, chr13:32,341,045, plus strand): 5'-AGTTTGTTCTACTTACTCCAAAGATTCAGAAAACTACTTTGAAACAGAAGCAGTAGAAAT[T>G]GCTAAAGCTTTTATGGAAGATGATGAACTGACAGATTCTAAACTGCCAAGTCATGCCACA-3'
Protein context (NP_000050.3, residues 2220-2240): ENYFETEAVE[Ile2230Met]AKAFMEDDEL